The following is an entry in ClinVar:

ClinVar aggregate classification (germline): Benign/Likely benign. Review status: criteria provided, multiple submitters, no conflicts (2 of 4 stars). 8 submissions from 8 submitters: Benign (2); Likely benign (6). Last evaluated 2026-01-26.

Conditions:
Hereditary cancer-predisposing syndrome. Also called: Neoplastic Syndromes, Hereditary; Hereditary neoplastic syndrome; Tumor predisposition; Hereditary Cancer Syndrome. Identifiers: Orphanet 140162, MedGen C0027672, MeSH D009386, MONDO:0015356.
Tuberous sclerosis 2 (TSC2). Identifiers: Orphanet 805, MedGen C1860707, MONDO:0013199, OMIM 613254.
Tuberous sclerosis syndrome (TSC). Also called: Tuberous Sclerosis Complex; Tuberous sclerosis. Identifiers: Orphanet 805, MedGen C0041341, MONDO:0001734.

Allele frequency attached by ClinVar (database versions not stated): ExAC below 0.00001; gnomAD exomes 0.00001; TOPMed 0.00002; gnomAD 0.00003.
gnomAD v4.1: 23 of 1,612,188 alleles (0.0014%); highest among the groups gnomAD compares: Middle Eastern, 0.016%; no homozygotes.

Submissions (8):

Labcorp Genetics (formerly Invitae), Labcorp
Classification: Likely benign for Tuberous sclerosis 2. Last evaluated: 2026-01-26. Review status: criteria provided, single submitter. Criteria: Invitae Variant Classification Sherloc (09022015). Collection method: clinical testing. Allele origin: germline.

Mayo Clinic Laboratories, Mayo Clinic
Classification: Likely benign. Last evaluated: 2025-06-03. Review status: criteria provided, single submitter. Criteria: ACMG Guidelines, 2015. Collection method: clinical testing. Allele origin: germline. Observed: 1 variant allele.
Comment: BP4, BP7

Myriad Genetics, Inc.
Classification: Benign for Tuberous sclerosis 2. Last evaluated: 2025-05-13. Review status: criteria provided, single submitter. Criteria: Myriad Autosomal Dominant, Autosomal Recessive and X-Linked Classification Criteria (2023). Collection method: clinical testing. Allele origin: unknown.
Comment: This variant is considered benign. This variant is a silent/synonymous amino acid change and it is not expected to impact splicing.

All of Us Research Program, National Institutes of Health
Classification: Likely benign for Tuberous sclerosis syndrome. Last evaluated: 2023-05-15. Review status: criteria provided, single submitter. Criteria: ACMG Guidelines, 2015. Collection method: clinical testing. Allele origin: germline. Inheritance: Autosomal dominant inheritance. Observed: 1 variant allele, 1 heterozygote.
Comment: This study involves interpretation of variants in research participants for the purpose of population health screening. Participant phenotype was not available at the time of variant classification. Additional details can be found in publication PMID: 35346344, PMCID: PMC8962531

Genome-Nilou Lab
Classification: Benign for Tuberous sclerosis 2. Last evaluated: 2021-11-07. Review status: criteria provided, single submitter. Criteria: ACMG Guidelines, 2015. Collection method: clinical testing. Allele origin: germline. Affected: no.

GeneDx
Classification: Likely benign. Last evaluated: 2020-11-30. Review status: criteria provided, single submitter. Criteria: GeneDx Variant Classification Process June 2021. Collection method: clinical testing. Allele origin: germline. Affected: yes.

Ambry Genetics
Classification: Likely benign for Hereditary cancer-predisposing syndrome. Last evaluated: 2019-07-17. Review status: criteria provided, single submitter. Criteria: Ambry Variant Classification Scheme 2023. Collection method: clinical testing. Allele origin: germline.

CeGaT Center for Human Genetics Tuebingen
Classification: Likely benign. Last evaluated: 2018-05-01. Review status: criteria provided, single submitter. Criteria: CeGaT Center For Human Genetics Tuebingen Variant Classification Criteria Version 2. Collection method: clinical testing. Allele origin: germline. Affected: yes. Observed: 2 variant alleles.

NM_000548.5(TSC2):c.1317C>T (p.Asp439=)

Gene: TSC2 (TSC complex subunit 2; plus strand). Cytogenetic location: 16p13.3.
Variant type: single nucleotide variant.
Coding change: c.1317C>T on transcript NM_000548.5 (MANE Select); coding-DNA position 1317, C replaced by T.
Protein change: p.Asp439=; no amino-acid change (aspartic acid 439 retained).
Molecular consequence: synonymous variant.
Genome position (GRCh38, 1-based): chr16:2,062,556, C>T. VCF-style: chr16-2062556-C-T. GRCh37 (hg19) VCF-style: chr16-2112557-C-T.
Other names: p.Asp439=; c.1317C>T, p.Asp439= (NM_001077183.3, NM_001114382.3, NM_001363528.2 and 3 more transcripts); c.1206C>T, p.Asp402= (NM_001318827.2); c.1170C>T, p.Asp390= (NM_001318829.2); c.717C>T, p.Asp239= (NM_001318831.2); c.1350C>T, p.Asp450= (NM_001318832.2).
Identifiers: ClinVar variation 387550 (VCV000387550.62), dbSNP rs777457815, ClinGen allele CA029350.